The following is an entry in ClinVar:

ClinVar aggregate classification (germline): Uncertain significance. Review status: criteria provided, single submitter (1 of 4 stars). 2 submissions from 2 submitters: Uncertain significance (1). 1 of the submissions does not count toward it. Last evaluated 2022-08-16.

Conditions:
Sanfilippo syndrome. Also called: Mucopolysaccharidosis type 3; Sanfilippo disease; Mucopolysaccharidosis Type III. Identifiers: Orphanet 581, MedGen C0026706, MONDO:0018937.
Mucopolysaccharidosis, MPS-III-D (MPS3D). Also called: MPS IIID (Sanfilippo Syndrome Type D); N-ACETYLGLUCOSAMINE-6-SULFATASE DEFICIENCY; MUCOPOLYSACCHARIDOSIS, TYPE IIID; SANFILIPPO SYNDROME D; MPS III D; Mucopoly-saccharidosis type 3D. Identifiers: Orphanet 581, Orphanet 79272, MedGen C0086650, MONDO:0009658, OMIM 252940.

Allele frequency attached by ClinVar (database versions not stated): gnomAD exomes 0.00002 and 0.00001; TOPMed below 0.00001; ExAC 0.00002.
gnomAD v4.1: 19 of 1,613,526 alleles (0.0012%); highest among the groups gnomAD compares: Non-Finnish European, 0.0014%; no homozygotes.

Submissions (2):

Labcorp Genetics (formerly Invitae), Labcorp
Classification: Uncertain significance for Mucopolysaccharidosis, MPS-III-D. Last evaluated: 2022-08-16. Review status: criteria provided, single submitter. Criteria: Invitae Variant Classification Sherloc (09022015). Collection method: clinical testing. Allele origin: germline.
Comment: This sequence change replaces glycine, which is neutral and non-polar, with serine, which is neutral and polar, at codon 540 of the GNS protein (p.Gly540Ser). This variant is present in population databases (rs771940326, gnomAD 0.003%). This variant has not been reported in the literature in individuals affected with GNS-related conditions. ClinVar contains an entry for this variant (Variation ID: 1002543). Algorithms developed to predict the effect of missense changes on protein structure and function output the following: SIFT: "Deleterious"; PolyPhen-2: "Benign"; Align-GVGD: "Class C0". The serine amino acid residue is found in multiple mammalian species, which suggests that this missense change does not adversely affect protein function. In summary, the available evidence is currently insufficient to determine the role of this variant in disease. Therefore, it has been classified as a Variant of Uncertain Significance.

Natera, Inc.
Classification: Uncertain significance for Sanfilippo disease. Last evaluated: 2020-02-04. Review status: no assertion criteria provided. Collection method: clinical testing. Allele origin: germline. Not counted in ClinVar's aggregate classification.

NM_002076.4(GNS):c.1618G>A (p.Gly540Ser)

Gene: GNS (glucosamine (N-acetyl)-6-sulfatase; minus strand). Cytogenetic location: 12q14.3.
Variant type: single nucleotide variant.
Coding change: c.1618G>A on transcript NM_002076.4 (MANE Select); coding-DNA position 1618, G replaced by A.
Protein change: p.Gly540Ser; replaces glycine 540 with serine.
Molecular consequence: missense variant.
Genome position (GRCh38, 1-based): chr12:64,716,782, C>T on the plus strand (G>A on the coding strand, the complement: GNS is on the minus strand). VCF-style: chr12-64716782-C-T. GRCh37 (hg19) VCF-style: chr12-65110562-C-T.
Other names: short protein forms G540S.
Identifiers: ClinVar variation 1002543 (VCV001002543.7), dbSNP rs771940326, ClinGen allele CA6669620.